The following is an entry in ClinVar:

NM_206933.4(USH2A):c.13268C>T (p.Ala4423Val)

Gene: USH2A (usherin; minus strand). Cytogenetic location: 1q41.
Variant type: single nucleotide variant.
Coding change: c.13268C>T on transcript NM_206933.4 (MANE Select); coding-DNA position 13268, C replaced by T.
Protein change: p.Ala4423Val; replaces alanine 4423 with valine.
Molecular consequence: missense variant.
Genome position (GRCh38, 1-based): chr1:215,674,643, G>A on the plus strand (C>T on the coding strand, the complement: USH2A is on the minus strand). VCF-style: chr1-215674643-G-A. GRCh37 (hg19) VCF-style: chr1-215847985-G-A.
Other names: short protein forms A4423V.
Identifiers: ClinVar variation 1463913 (VCV001463913.5), dbSNP rs755480221, ClinGen allele CA344845933.

ClinVar aggregate classification (germline): Uncertain significance (1 of 4 stars; one submission).

Submission:

Labcorp Genetics (formerly Invitae), Labcorp
Classification: Uncertain significance. Last evaluated: 2021-09-01. Review status: criteria provided, single submitter. Criteria: Invitae Variant Classification Sherloc (09022015). Collection method: clinical testing. Allele origin: germline.
Comment: This sequence change replaces alanine with valine at codon 4423 of the USH2A protein (p.Ala4423Val). The alanine residue is highly conserved and there is a small physicochemical difference between alanine and valine. This variant is not present in population databases (ExAC no frequency). This variant has not been reported in the literature in individuals affected with USH2A-related conditions. Algorithms developed to predict the effect of missense changes on protein structure and function (SIFT, PolyPhen-2, Align-GVGD) all suggest that this variant is likely to be disruptive. In summary, the available evidence is currently insufficient to determine the role of this variant in disease. Therefore, it has been classified as a Variant of Uncertain Significance.